The following is an entry in ClinVar:

ClinVar aggregate classification (germline): Uncertain significance (1 of 4 stars; one submission).

Conditions:
3-methylglutaconic aciduria, type VIIB (MGCA7B). Also called: 3-methylglutaconic aciduria, type VII, with cataracts, neurologic involvement and neutropenia; CLPB Deficiency; 3-methylglutaconic aciduria with cataracts, neurologic involvement and neutropenia. Identifiers: Orphanet 445038, MedGen C5676893, MONDO:0014561, OMIM 616271.

gnomAD v4.1: 10 of 1,614,002 alleles (0.00062%); highest among the groups gnomAD compares: Non-Finnish European, 0.00076%; no homozygotes.

Submission:

Labcorp Genetics (formerly Invitae), Labcorp
Classification: Uncertain significance for 3-methylglutaconic aciduria, type VIIB. Last evaluated: 2024-08-23. Review status: criteria provided, single submitter. Criteria: Invitae Variant Classification Sherloc (09022015). Collection method: clinical testing. Allele origin: germline.
Comment: This sequence change replaces glycine, which is neutral and non-polar, with arginine, which is basic and polar, at codon 645 of the CLPB protein (p.Gly645Arg). This variant is present in population databases (rs761938268, gnomAD 0.002%). This variant has not been reported in the literature in individuals affected with CLPB-related conditions. An algorithm developed to predict the effect of missense changes on protein structure and function (PolyPhen-2) suggests that this variant is likely to be tolerated. In summary, the available evidence is currently insufficient to determine the role of this variant in disease. Therefore, it has been classified as a Variant of Uncertain Significance.

NM_001258392.3(CLPB):c.1843G>A (p.Gly615Arg)

Gene: CLPB (ClpB family mitochondrial disaggregase; minus strand). Cytogenetic location: 11q13.4.
Variant type: single nucleotide variant.
Coding change: c.1843G>A on transcript NM_001258392.3 (MANE Select); coding-DNA position 1843, G replaced by A.
Protein change: p.Gly615Arg; replaces glycine 615 with arginine.
Molecular consequence: missense variant.
Genome position (GRCh38, 1-based): chr11:72,293,558, C>T on the plus strand (G>A on the coding strand, the complement: CLPB is on the minus strand). VCF-style: chr11-72293558-C-T. GRCh37 (hg19) VCF-style: chr11-72004602-C-T.
Other names: c.1756G>A, p.Gly586Arg (NM_001258393.3); c.1798G>A, p.Gly600Arg (NM_001258394.3); c.1933G>A, p.Gly645Arg (NM_030813.6); short protein forms G586R, G645R, G600R, G615R.
Identifiers: ClinVar variation 3693342 (VCV003693342.2).